The following is an entry in ClinVar:

ClinVar aggregate classification (germline): Conflicting classifications of pathogenicity. Review status: criteria provided, conflicting classifications (1 of 4 stars). 3 submissions from 3 submitters: Pathogenic (1); Likely pathogenic (1); Uncertain significance (1). Last evaluated 2023-10-30.

Conditions:
RDH12-related disorder. Also called: RDH12-related disorders; RDH12-related condition.
Retinal dystrophy. Also called: Inherited retinal dystrophy. Identifiers: Orphanet 71862, MedGen C0854723, MeSH D058499, MONDO:0019118, HP:0000556.
Leber congenital amaurosis (LCA). Also called: Leber's amaurosis. Identifiers: Orphanet 65, MedGen C0339527, MeSH D057130, MONDO:0018998.

Allele frequency attached by ClinVar (database versions not stated): ExAC 0.00001; gnomAD 0.00001; TOPMed 0.00001; ESP Exome Variant Server 0.00015.

Submissions (3):

Women's Health and Genetics/Laboratory Corporation of America, LabCorp
Classification: Likely pathogenic for Leber congenital amaurosis. Last evaluated: 2023-10-30. Review status: criteria provided, single submitter. Criteria: LabCorp Variant Classification Summary - May 2015. Collection method: clinical testing. Allele origin: germline.
Comment: Variant summary: RDH12 c.667G>T (p.Val223Phe) results in a non-conservative amino acid change in the encoded protein sequence. Five of five in-silico tools predict a damaging effect of the variant on protein function. The variant was absent in 248940 control chromosomes. c.667G>T has been reported in the literature in homozygous individuals affected with Retinitis pigmentosa (Colombo_2021) and Cone-rod dystrophy (Liu_2021). To our knowledge, no experimental evidence demonstrating an impact on protein function has been reported. The following publications have been ascertained in the context of this evaluation (PMID: 33576794, 33090715). One submitter has cited clinical-significance assessments for this variant to ClinVar after 2014 and has classified the variant as uncertain significance. Based on the evidence outlined above, the variant was classified as likely pathogenic.

Blueprint Genetics
Classification: Pathogenic for RDH12-related disorders. Last evaluated: 2021-08-27. Review status: criteria provided, single submitter. Criteria: ACMG Guidelines, 2015. Collection method: clinical testing. Allele origin: germline. Affected: yes. Observed: 1 variant allele.

DBGen Ocular Genomics
Classification: Uncertain significance for Retinal dystrophy. Last evaluated: 2021-06-21. Review status: criteria provided, single submitter. Criteria: ACMG Guidelines, 2015. Collection method: clinical testing. Allele origin: germline. Affected: yes. Observed: 1 variant allele.

Literature cited by the submitters: PubMed 33576794 (cited by Women's Health and Genetics/Laboratory Corporation of America, LabCorp); PubMed 33090715 (cited by Women's Health and Genetics/Laboratory Corporation of America, LabCorp).

NM_152443.3(RDH12):c.667G>T (p.Val223Phe)

Genes: GPHN (gephyrin; plus strand), RDH12 (retinol dehydrogenase 12; plus strand), ZFYVE26 (zinc finger FYVE-type containing 26; minus strand). Cytogenetic location: 14q24.1.
Variant type: single nucleotide variant.
Coding change: c.667G>T on transcript NM_152443.3 (MANE Select); coding-DNA position 667, G replaced by T.
Protein change: p.Val223Phe; replaces valine 223 with phenylalanine.
Molecular consequence: missense variant.
Genome position (GRCh38, 1-based): chr14:67,729,199, G>T. VCF-style: chr14-67729199-G-T. GRCh37 (hg19) VCF-style: chr14-68195916-G-T.
Other names: short protein forms V223F.
Identifiers: ClinVar variation 1213891 (VCV001213891.4), dbSNP rs370015375, ClinGen allele CA7238790.
Genomic context (GRCh38, chr14:67,729,199, plus strand): 5'-TTTCCTGGGCTCAGAGTGTGTCCCTGATCTAATTGTGCCCTCTTTGTCCCAGGCACCGGG[G>T]TCACCACCTACGCAGTGCACCCAGGCGTCGTCCGCTCTGAGCTGGTCCGGCACTCCTCCC-3'
Protein context (NP_689656.2, residues 213-233): ELAKRLQGTG[Val223Phe]TTYAVHPGVV